The following is an entry in ClinVar:

ClinVar aggregate classification (germline): Uncertain significance (1 of 4 stars; one submission).

Submission:

Labcorp Genetics (formerly Invitae), Labcorp
Classification: Uncertain significance. Last evaluated: 2026-01-19. Review status: criteria provided, single submitter. Criteria: Invitae Variant Classification Sherloc (09022015). Collection method: clinical testing. Allele origin: germline.
Comment: This variant, c.71_76del, results in the deletion of 2 amino acid(s) of the IFNAR1 protein (p.Ala24_Ala25del), but otherwise preserves the integrity of the reading frame. This variant is present in population databases (rs767512505, gnomAD 0.01%). This variant has not been reported in the literature in individuals affected with IFNAR1-related conditions. Experimental studies and prediction algorithms are not available or were not evaluated, and the functional significance of this variant is currently unknown. In summary, the available evidence is currently insufficient to determine the role of this variant in disease. Therefore, it has been classified as a Variant of Uncertain Significance.

NM_000629.3(IFNAR1):c.65CCGCAG[1] (p.Ala24_Ala25del)

Genes: IFNAR1 (interferon alpha and beta receptor subunit 1; plus strand), LOC119230225 (IFNAR1 promoter region; plus strand). Cytogenetic location: 21q22.11.
Variant type: Microsatellite.
Coding change: c.65CCGCAG[1] on transcript NM_000629.3 (MANE Select); one copy of the 6-base unit CCGCAG starting at c.65; the reference has two copies in a row; one copy, 6 bases deleted.
Protein change: p.Ala24_Ala25del.
Molecular consequence: inframe deletion. On other transcripts: 5 prime UTR variant (2), intron variant (1).
Genome position (GRCh38, 1-based): chr21:33,325,126-33,325,131, CCGCAG deleted; deleting any 6 consecutive bases within chr21:33,325,120-33,325,131 gives the same sequence; the position shown is the placement nearest the transcript's 3' end. VCF-style (leftmost placement, unchanged base first): chr21-33325119-TCCGCAG-T. GRCh37 (hg19) VCF-style: chr21-34697424-TCCGCAG-T.
Other names: c.65CCGCAG[1], p.Ala24_Ala25del (NM_001384498.1, NM_001384499.1, NM_001384501.1 and 1 more transcripts); c.-722CCGCAG[1] (NM_001384500.1); c.-319CCGCAG[1] (NM_001384502.1); c.-132+488_-132+493del (NM_001384504.1).
Identifiers: ClinVar variation 1420808 (VCV001420808.6), dbSNP rs767512505, ClinGen allele CA10006360.